The following is an entry in ClinVar:

ClinVar aggregate classification (germline): Uncertain significance (1 of 4 stars; one submission).

Conditions:
GREB1L-related disorder. Also called: GREB1L-related condition.

gnomAD v4.1: 5 of 1,551,326 alleles (0.00032%); highest among the groups gnomAD compares: Admixed American, 0.0039%; no homozygotes.

Submission:

PreventionGenetics, part of Exact Sciences
Classification: Uncertain significance for GREB1L-related condition. Last evaluated: 2024-10-23. Review status: criteria provided, single submitter. Criteria: ACMG Guidelines, 2015. Collection method: clinical testing. Allele origin: germline.
Comment: The GREB1L c.2510G>A variant is predicted to result in the amino acid substitution p.Arg837His. This variant was reported in an individual with congenital anomalies of kidney and urinary tract (Table S6, Seltzsam et al. 2022. PubMed ID: 34906515). This variant is reported in 0.0081% of alleles in individuals of Latino descent in gnomAD. At this time, the clinical significance of this variant is uncertain due to the absence of conclusive functional and genetic evidence.

NM_001142966.3(GREB1L):c.2510G>A (p.Arg837His)

Gene: GREB1L (GREB1 like retinoic acid receptor coactivator; plus strand). Cytogenetic location: 18q11.1.
Variant type: single nucleotide variant.
Coding change: c.2510G>A on transcript NM_001142966.3 (MANE Select); coding-DNA position 2510, G replaced by A.
Protein change: p.Arg837His; replaces arginine 837 with histidine.
Molecular consequence: missense variant.
Genome position (GRCh38, 1-based): chr18:21,477,310, G>A. VCF-style: chr18-21477310-G-A. GRCh37 (hg19) VCF-style: chr18-19057271-G-A.
Other names: c.2639G>A, p.Arg880His (NM_001410867.1); c.2183G>A, p.Arg728His (NM_001410868.1); short protein forms R728H, R837H, R880H.
Identifiers: ClinVar variation 4978320 (VCV004978320.1).